The following is an entry in ClinVar:

NM_000466.3(PEX1):c.3767+1_3767+2dup

Genes: PEX1 (peroxisomal biogenesis factor 1; minus strand), GATAD1 (GATA zinc finger domain containing 1; plus strand). Cytogenetic location: 7q21.2.
Variant type: Duplication.
Coding change: c.3767+1_3767+2dup on transcript NM_000466.3 (MANE Select); the canonical splice donor site of the intron after coding-DNA position 3767, 2 bases duplicated (GT; older notation c.3767+1_3767+2dupGT).
Molecular consequence: splice donor variant.
Genome position (GRCh38, 1-based): chr7:92,489,291-92,489,292, AC duplicated on the plus strand (GT on the coding strand, the reverse complement: PEX1 is on the minus strand); duplicating any 2 consecutive bases within chr7:92,489,291-92,489,293 gives the same sequence; the c. name uses the placement nearest the transcript's 3' end. VCF-style (leftmost placement, unchanged base first): chr7-92489290-T-TAC. GRCh37 (hg19) VCF-style: chr7-92118604-T-TAC.
Other names: c.3767+1_3767+2dupGT (NM_000466.2); c.3596+1_3596+2dup (NM_001282677.2); c.3143+1_3143+2dup (NM_001282678.2).
Identifiers: ClinVar variation 556432 (VCV000556432.5), dbSNP rs1383361108, ClinGen allele CA658822680.
Genomic context (GRCh38, chr7:92,489,290, plus strand): 5'-TAAGTGTAATACTATGTCACTTGTAATAGTAGCTGTACTTCCAAAACAGAATCTGTTACT[T>TAC]ACAGCTCAGCAAAATTCTTCCAGTCATCTTCACTAATGGATGGTCTTGTGTGACCAAGTG-3'

ClinVar aggregate classification (germline): Uncertain significance. Review status: criteria provided, single submitter (1 of 4 stars). 2 submissions from 2 submitters: Uncertain significance (1). 1 of the submissions does not count toward it. Last evaluated 2022-11-22.

Conditions:
Zellweger spectrum disorders (ZS). Also called: Zellweger Spectrum Disorder; Zellweger Spectrum; Zellweger syndrome; Zellweger Spectrum Disorder (ZSD). Identifiers: Orphanet 912, MedGen C0043459, MONDO:0019609.
Peroxisome biogenesis disorder 1A (Zellweger) (PBD1A). Also called: Zellweger leukodystrophy; Peroxisome biogenesis disorder 1a. Identifiers: MedGen C4721541, MONDO:0008953, OMIM 214100.

Submissions (2):

Labcorp Genetics (formerly Invitae), Labcorp
Classification: Uncertain significance for Zellweger spectrum disorders. Last evaluated: 2022-11-22. Review status: criteria provided, single submitter. Criteria: Invitae Variant Classification Sherloc (09022015). Collection method: clinical testing. Allele origin: germline.
Comment: In summary, the available evidence is currently insufficient to determine the role of this variant in disease. Therefore, it has been classified as a Variant of Uncertain Significance. Variants that disrupt the consensus splice site are a relatively common cause of aberrant splicing (PMID: 17576681, 9536098). Algorithms developed to predict the effect of sequence changes on RNA splicing suggest that this variant may disrupt the consensus splice site. ClinVar contains an entry for this variant (Variation ID: 556432). This variant has not been reported in the literature in individuals affected with PEX1-related conditions. This variant is not present in population databases (gnomAD no frequency). This sequence change falls in intron 23 of the PEX1 gene. It does not directly change the encoded amino acid sequence of the PEX1 protein. It affects a nucleotide within the consensus splice site.

Counsyl
Classification: Uncertain significance for Peroxisome biogenesis disorder 1A (Zellweger). Last evaluated: 2018-02-01. Review status: no assertion criteria provided. Collection method: clinical testing. Allele origin: unknown. Not counted in ClinVar's aggregate classification.

Literature cited by the submitters: PubMed 17576681 (cited by Labcorp Genetics (formerly Invitae), Labcorp); PubMed 9536098 (cited by Labcorp Genetics (formerly Invitae), Labcorp).